The following is an entry in ClinVar:

NM_001011.4(RPS7):c.34A>C (p.Asn12His)

Gene: RPS7 (ribosomal protein S7; plus strand). Cytogenetic location: 2p25.3.
Variant type: single nucleotide variant.
Coding change: c.34A>C on transcript NM_001011.4 (MANE Select); coding-DNA position 34, A replaced by C.
Protein change: p.Asn12His; replaces asparagine 12 with histidine.
Molecular consequence: missense variant.
Genome position (GRCh38, 1-based): chr2:3,575,643, A>C. VCF-style: chr2-3575643-A-C. GRCh37 (hg19) VCF-style: chr2-3623233-A-C.
Other names: short protein forms N12H.
Identifiers: ClinVar variation 955608 (VCV000955608.1), dbSNP rs1661257045, ClinGen allele CA345742572.
Genomic context (GRCh38, chr2:3,575,643, plus strand): 5'-TGCCTTCAGTTCTCCCAGGAGAAAGCCATGTTCAGTTCGAGCGCCAAGATCGTGAAGCCC[A>C]ATGGCGAGAAGCCGGACGAGTTCGAGTCCGGCATCTCCCAGGTGAGAGGGTTTCCCTGGG-3'
Protein context (NP_001002.1, residues 2-22): FSSSAKIVKP[Asn12His]GEKPDEFESG

ClinVar aggregate classification (germline): Uncertain significance (1 of 4 stars; one submission).

Conditions:
Diamond-Blackfan anemia 8 (DBA8). Also called: RPS7-Related Diamond-Blackfan Anemia. Identifiers: Orphanet 124, MedGen C2675511, MONDO:0012939, OMIM 612563.

Submission:

Labcorp Genetics (formerly Invitae), Labcorp
Classification: Uncertain significance for Diamond-Blackfan anemia 8. Last evaluated: 2019-11-08. Review status: criteria provided, single submitter. Criteria: Invitae Variant Classification Sherloc (09022015). Collection method: clinical testing. Allele origin: germline.
Comment: This sequence change replaces asparagine with histidine at codon 12 of the RPS7 protein (p.Asn12His). The asparagine residue is moderately conserved and there is a small physicochemical difference between asparagine and histidine. This variant is not present in population databases (ExAC no frequency). This variant has not been reported in the literature in individuals with RPS7-related conditions. Algorithms developed to predict the effect of missense changes on protein structure and function are either unavailable or do not agree on the potential impact of this missense change (SIFT: "Tolerated"; PolyPhen-2: "Possibly Damaging"; Align-GVGD: "Class C0"). In summary, the available evidence is currently insufficient to determine the role of this variant in disease. Therefore, it has been classified as a Variant of Uncertain Significance.